The following is an entry in ClinVar:

NM_000059.4(BRCA2):c.2252C>T (p.Thr751Ile)

Gene: BRCA2 (BRCA2 DNA repair associated; plus strand). Cytogenetic location: 13q13.1.
Variant type: single nucleotide variant.
Coding change: c.2252C>T on transcript NM_000059.4 (MANE Select); coding-DNA position 2252, C replaced by T.
Protein change: p.Thr751Ile; replaces threonine 751 with isoleucine.
Molecular consequence: missense variant.
Genome position (GRCh38, 1-based): chr13:32,336,607, C>T. VCF-style: chr13-32336607-C-T. GRCh37 (hg19) VCF-style: chr13-32910744-C-T.
Other names: 2480C>T; short protein forms T751I.
Identifiers: ClinVar variation 91772 (VCV000091772.39), dbSNP rs398122743, ClinGen allele CA014749.

ClinVar aggregate classification (germline): Conflicting classifications of pathogenicity. Review status: criteria provided, conflicting classifications (1 of 4 stars). 8 submissions from 8 submitters: Uncertain significance (3); Likely benign (4). 1 of the submissions does not count toward it. Last evaluated 2025-07-03.

Conditions:
Hereditary cancer-predisposing syndrome. Also called: Hereditary Cancer Syndrome; Tumor predisposition; Neoplastic Syndromes, Hereditary; Hereditary neoplastic syndrome. Identifiers: Orphanet 140162, MedGen C0027672, MeSH D009386, MONDO:0015356.
Hereditary breast ovarian cancer syndrome. Also called: Breast and ovarian cancer; BRCA1- and BRCA2-Associated Hereditary Breast and Ovarian Cancer; Hereditary breast and ovarian cancer; Hereditary breast and ovarian cancer syndrome (HBOC); Hereditary breast and ovarian cancer syndrome; Hereditary breast and/or ovarian cancer syndrome. Identifiers: Orphanet 145, MedGen C0677776, MeSH D061325, MONDO:0003582. Disease mechanism: loss of function.
Breast-ovarian cancer, familial, susceptibility to, 2 (BROVCA2). Also called: BRCA2 Hereditary Breast and Ovarian Cancer. Identifiers: Orphanet 145, MedGen C2675520, MONDO:0012933, OMIM 612555. Disease mechanism: loss of function.

Allele frequency attached by ClinVar (database versions not stated): gnomAD 0.00001; TOPMed 0.00001.
gnomAD v4.1: 1 of 1,613,960 alleles (0.000062%); highest among the groups gnomAD compares: Non-Finnish European, 0.000085%; no homozygotes.

Submissions (8):

Color Diagnostics, LLC DBA Color Health
Classification: Uncertain significance for Hereditary cancer-predisposing syndrome. Last evaluated: 2025-07-03. Review status: criteria provided, single submitter. Criteria: ACMG Guidelines, 2015. Collection method: clinical testing. Allele origin: germline.
Comment: This missense variant replaces threonine with isoleucine at codon 751 of the BRCA2 protein. Computational prediction suggests that this variant may not impact protein structure and function. To our knowledge, functional studies have not been reported for this variant. A multifactorial analysis has reported a likelihood ratio for pathogenicity based on personal and family history of 0.508 from log(LR)=-0.2942 for one carrier (PMID: 31853058). This variant has been identified in 1/31398 chromosomes in the general population by the Genome Aggregation Database (gnomAD). The available evidence is insufficient to determine the role of this variant in disease conclusively. Therefore, this variant is classified as a Variant of Uncertain Significance.

Labcorp Genetics (formerly Invitae), Labcorp
Classification: Uncertain significance for Hereditary breast ovarian cancer syndrome. Last evaluated: 2025-05-17. Review status: criteria provided, single submitter. Criteria: Invitae Variant Classification Sherloc (09022015). Collection method: clinical testing. Allele origin: germline.
Comment: This sequence change replaces threonine, which is neutral and polar, with isoleucine, which is neutral and non-polar, at codon 751 of the BRCA2 protein (p.Thr751Ile). This variant is present in population databases (rs398122743, gnomAD 0.007%). This variant has not been reported in the literature in individuals affected with BRCA2-related conditions. ClinVar contains an entry for this variant (Variation ID: 91772). Invitae Evidence Modeling of protein sequence and biophysical properties (such as structural, functional, and spatial information, amino acid conservation, physicochemical variation, residue mobility, and thermodynamic stability) indicates that this missense variant is not expected to disrupt BRCA2 protein function with a negative predictive value of 95%. In summary, the available evidence is currently insufficient to determine the role of this variant in disease. Therefore, it has been classified as a Variant of Uncertain Significance.

Ambry Genetics
Classification: Likely benign for Hereditary cancer-predisposing syndrome. Last evaluated: 2024-12-18. Review status: criteria provided, single submitter. Criteria: Ambry Variant Classification Scheme 2023. Collection method: clinical testing. Allele origin: germline.

CeGaT Center for Human Genetics Tuebingen
Classification: Likely benign. Last evaluated: 2024-07-01. Review status: criteria provided, single submitter. Criteria: CeGaT Center For Human Genetics Tuebingen Variant Classification Criteria Version 2. Collection method: clinical testing. Allele origin: germline. Affected: yes. Observed: 1 variant allele.
Comment: BRCA2: PM2:Supporting, BP1, BP4

Myriad Genetics, Inc.
Classification: Likely benign for Breast-ovarian cancer, familial, susceptibility to, 2. Last evaluated: 2024-03-26. Review status: criteria provided, single submitter. Criteria: Myriad Autosomal Dominant, Autosomal Recessive and X-Linked Classification Criteria (2023). Collection method: clinical testing. Allele origin: unknown.
Comment: This variant is considered likely benign. This variant is strongly associated with less severe personal and family histories of cancer, typical for individuals without pathogenic variants in this gene [PMID: 25085752].

Quest Diagnostics Nichols Institute San Juan Capistrano
Classification: Uncertain significance. Last evaluated: 2023-12-14. Review status: criteria provided, single submitter. Criteria: Quest Diagnostics criteria. Collection method: clinical testing. Allele origin: unknown.
Comment: The BRCA2 c.2252C>T (p.Thr751Ile) variant has been reported in the published literature to be located in a region of the BRCA2 gene that is tolerant to missense sequence changes (PMID: 31911673 (2020)). The frequency of this variant in the general population, 0.000032 (1/31398 chromosomes (Genome Aggregation Database)), is uninformative in the assessment of its pathogenicity. Analysis of this variant using bioinformatics tools for the prediction of the effect of amino acid changes on protein structure and function yielded predictions that this variant is benign. Based on the available information, we are unable to determine the clinical significance of this variant.

University of Washington Department of Laboratory Medicine, University of Washington
Classification: Likely benign for Hereditary cancer-predisposing syndrome. Last evaluated: 2023-03-23. Review status: criteria provided, single submitter. Criteria: Dines et al. (Genet Med. 2020). Collection method: curation. Allele origin: germline.
Comment: Missense variant in a coldspot region where missense variants are very unlikely to be pathogenic (PMID:31911673).

BRCA2 exon 11 coldspot. Reclassification based on statistical prior probability.

Sharing Clinical Reports Project (SCRP)
Classification: Uncertain significance for Breast-ovarian cancer, familial 2. Last evaluated: 2011-03-09. Review status: no assertion criteria provided. Collection method: clinical testing. Allele origin: germline. Not counted in ClinVar's aggregate classification.

Literature cited by the submitters: PubMed 31853058 (cited by Color Diagnostics, LLC DBA Color Health); PubMed 25085752 (cited by Myriad Genetics, Inc.); PubMed 31911673 (cited by Quest Diagnostics Nichols Institute San Juan Capistrano).